The following is an entry in ClinVar:

ClinVar aggregate classification (germline): Uncertain significance (1 of 4 stars; one submission).

Conditions:
MTOR-related disorder. Also called: MTOR-related condition.

gnomAD v4.1: 5 of 1,614,230 alleles (0.00031%); highest among the groups gnomAD compares: Non-Finnish European, 0.00034%; no homozygotes.

Submission:

PreventionGenetics, part of Exact Sciences
Classification: Uncertain significance for MTOR-related condition. Last evaluated: 2025-11-13. Review status: criteria provided, single submitter. Criteria: ACMG Guidelines, 2015. Collection method: clinical testing. Allele origin: germline.
Comment: The MTOR c.1859T>C variant is predicted to result in the amino acid substitution p.Met620Thr. To our knowledge, this variant has not been reported in the literature. This variant is reported in 0.0026% of alleles in individuals of European (Non-Finnish) descent in gnomAD. At this time, the clinical significance of this variant is uncertain due to the absence of conclusive functional and genetic evidence.

NM_004958.4(MTOR):c.1859T>C (p.Met620Thr)

Gene: MTOR (mechanistic target of rapamycin kinase; minus strand). Cytogenetic location: 1p36.22.
Variant type: single nucleotide variant.
Coding change: c.1859T>C on transcript NM_004958.4 (MANE Select); coding-DNA position 1859, T replaced by C.
Protein change: p.Met620Thr; replaces methionine 620 with threonine.
Molecular consequence: missense variant.
Genome position (GRCh38, 1-based): chr1:11,238,545, A>G on the plus strand (T>C on the coding strand, the complement: MTOR is on the minus strand). VCF-style: chr1-11238545-A-G. GRCh37 (hg19) VCF-style: chr1-11298602-A-G.
Other names: c.1859T>C, p.Met620Thr (NM_001386500.1); c.611T>C, p.Met204Thr (NM_001386501.1); short protein forms M620T, M204T.
Identifiers: ClinVar variation 4994102 (VCV004994102.1).